The following is an entry in ClinVar:

NM_001130965.3(SUN1):c.241G>A (p.Val81Ile)

Gene: SUN1 (Sad1 and UNC84 domain containing 1; plus strand). Cytogenetic location: 7p22.3.
Variant type: single nucleotide variant.
Coding change: c.241G>A on transcript NM_001130965.3 (MANE Select); coding-DNA position 241, G replaced by A.
Protein change: p.Val81Ile; replaces valine 81 with isoleucine.
Molecular consequence: missense variant. On other transcripts: 5 prime UTR variant (2), non-coding transcript variant (3), intron variant (2).
Genome position (GRCh38, 1-based): chr7:838,961, G>A. VCF-style: chr7-838961-G-A. GRCh37 (hg19) VCF-style: chr7-878598-G-A.
Other names: c.241G>A, p.Val81Ile (NM_001367672.1, NM_001367674.1, NM_001367675.1 and 34 more transcripts); c.91G>A, p.Val31Ile (NM_001367673.1, NM_001367679.1, NM_001367686.1 and 24 more transcripts); c.304G>A, p.Val102Ile (NM_001171945.2); c.-217G>A (NM_001367635.1); c.460G>A, p.Val154Ile (NM_001367651.1); c.-521G>A (NM_001367658.1); c.78-2985G>A (NM_001367695.1); c.-301-2985G>A (NM_001367639.1); short protein forms V154I, V102I, V31I, V81I.
Identifiers: ClinVar variation 856663 (VCV000856663.9), dbSNP rs536171212, ClinGen allele CA4111424.

ClinVar aggregate classification (germline): Uncertain significance. Review status: criteria provided, multiple submitters, no conflicts (2 of 4 stars). 2 submissions from 2 submitters: Uncertain significance (2). Last evaluated 2025-03-07.

Conditions:
Emery-Dreifuss muscular dystrophy (EDMD). Also called: Scapuloperoneal syndrome, X-linked (formerly); Humeroperoneal neuromuscular disease, (formerly). Identifiers: Orphanet 261, MedGen C0410189, MONDO:0016830.

Allele frequency attached by ClinVar (database versions not stated): gnomAD exomes 0.00003 and 0.00009; TOPMed 0.00003; ExAC 0.00004; 1000 Genomes Project 0.00020; 1000 Genomes Project 30x 0.00031.
gnomAD v4.1: 50 of 1,602,204 alleles (0.0031%); highest among the groups gnomAD compares: Admixed American, 0.05%; no homozygotes.

Submissions (2):

Labcorp Genetics (formerly Invitae), Labcorp
Classification: Uncertain significance for Emery-Dreifuss muscular dystrophy. Last evaluated: 2025-03-07. Review status: criteria provided, single submitter. Criteria: Invitae Variant Classification Sherloc (09022015). Collection method: clinical testing. Allele origin: germline.
Comment: This sequence change replaces valine, which is neutral and non-polar, with isoleucine, which is neutral and non-polar, at codon 81 of the SUN1 protein (p.Val81Ile). This variant is present in population databases (rs536171212, gnomAD 0.06%), and has an allele count higher than expected for a pathogenic variant. This variant has not been reported in the literature in individuals affected with SUN1-related conditions. ClinVar contains an entry for this variant (Variation ID: 856663). An algorithm developed to predict the effect of missense changes on protein structure and function (PolyPhen-2) suggests that this variant is likely to be tolerated. In summary, the available evidence is currently insufficient to determine the role of this variant in disease. Therefore, it has been classified as a Variant of Uncertain Significance.

Ambry Genetics
Classification: Uncertain significance. Last evaluated: 2024-09-09. Review status: criteria provided, single submitter. Criteria: Ambry Variant Classification Scheme 2023. Collection method: clinical testing. Allele origin: germline.